The following is an entry in ClinVar:

ClinVar aggregate classification (germline): Uncertain significance. Review status: criteria provided, multiple submitters, no conflicts (2 of 4 stars). 3 submissions from 3 submitters: Uncertain significance (3). Last evaluated 2023-10-23.

Conditions:
Marfan syndrome (MFS). Also called: Marfan syndrome type 1; Marfan's syndrome; FBN1-Related Marfan Syndrome; MARFAN SYNDROME, TYPE I; Marfan syndrome, classic. Identifiers: Orphanet 284963, Orphanet 558, MedGen C0024796, MONDO:0007947, OMIM 154700.
Familial thoracic aortic aneurysm and aortic dissection (TAAD). Also called: Thoracic aortic aneurysms and dissections. Identifiers: Orphanet 91387, MedGen C4707243, MONDO:0019625.

Allele frequency attached by ClinVar (database versions not stated): TOPMed below 0.00001; gnomAD exomes below 0.00001.
gnomAD v4.1: 5 of 1,613,970 alleles (0.00031%); highest among the groups gnomAD compares: Non-Finnish European, 0.00042%; no homozygotes.

Submissions (3):

All of Us Research Program, National Institutes of Health
Classification: Uncertain significance for Marfan syndrome. Last evaluated: 2023-10-23. Review status: criteria provided, single submitter. Criteria: ACMG Guidelines, 2015. Collection method: clinical testing. Allele origin: germline. Inheritance: Autosomal dominant inheritance. Observed: 2 variant alleles, 2 heterozygotes.
Comment: This missense variant replaces arginine with lysine at codon 44 of the FBN1 protein. Computational prediction suggests that this variant may not impact protein structure and function (internally defined REVEL score threshold <= 0.5, PMID: 27666373). To our knowledge, functional studies have not been reported for this variant. This variant has not been reported in individuals affected with FBN1-related disorders in the literature. This variant has not been identified in the general population by the Genome Aggregation Database (gnomAD). The available evidence is insufficient to determine the role of this variant in disease conclusively. Therefore, this variant is classified as a Variant of Uncertain Significance.

This study involves interpretation of variants in research participants for the purpose of population health screening. Participant phenotype was not available at the time of variant classification. Additional details can be found in publication PMID: 35346344, PMCID: PMC8962531

Color Diagnostics, LLC DBA Color Health
Classification: Uncertain significance for Familial thoracic aortic aneurysm and aortic dissection. Last evaluated: 2023-08-02. Review status: criteria provided, single submitter. Criteria: ACMG Guidelines, 2015. Collection method: clinical testing. Allele origin: germline.
Comment: This missense variant replaces arginine with lysine at codon 44 of the FBN1 protein. Computational prediction suggests that this variant may not impact protein structure and function. To our knowledge, functional studies have not been reported for this variant. This variant has not been reported in individuals affected with FBN1-related disorders in the literature. This variant has not been identified in the general population by the Genome Aggregation Database (gnomAD). The available evidence is insufficient to determine the role of this variant in disease conclusively. Therefore, this variant is classified as a Variant of Uncertain Significance.

Labcorp Genetics (formerly Invitae), Labcorp
Classification: Uncertain significance for Marfan syndrome; Familial thoracic aortic aneurysm and aortic dissection. Last evaluated: 2021-12-27. Review status: criteria provided, single submitter. Criteria: Invitae Variant Classification Sherloc (09022015). Collection method: clinical testing. Allele origin: germline.
Comment: In summary, the available evidence is currently insufficient to determine the role of this variant in disease. Therefore, it has been classified as a Variant of Uncertain Significance. Algorithms developed to predict the effect of missense changes on protein structure and function are either unavailable or do not agree on the potential impact of this missense change (SIFT: "Deleterious"; PolyPhen-2: "Possibly Damaging"; Align-GVGD: "Class C0"). This variant has not been reported in the literature in individuals affected with FBN1-related conditions. This variant is not present in population databases (gnomAD no frequency). This sequence change replaces arginine, which is basic and polar, with lysine, which is basic and polar, at codon 44 of the FBN1 protein (p.Arg44Lys).

NM_000138.5(FBN1):c.131G>A (p.Arg44Lys)

Gene: FBN1 (fibrillin 1; minus strand). Cytogenetic location: 15q21.1.
Variant type: single nucleotide variant.
Coding change: c.131G>A on transcript NM_000138.5 (MANE Select); coding-DNA position 131, G replaced by A.
Protein change: p.Arg44Lys; replaces arginine 44 with lysine.
Molecular consequence: missense variant.
Genome position (GRCh38, 1-based): chr15:48,644,639, C>T on the plus strand (G>A on the coding strand, the complement: FBN1 is on the minus strand). VCF-style: chr15-48644639-C-T. GRCh37 (hg19) VCF-style: chr15-48936836-C-T.
Other names: short protein forms R44K.
Identifiers: ClinVar variation 1395646 (VCV001395646.11), dbSNP rs1890259213, ClinGen allele CA392453546.